The following is an entry in ClinVar:

NM_004385.5(VCAN):c.849C>T (p.Leu283=)

Gene: VCAN (versican; plus strand). Cytogenetic location: 5q14.3.
Variant type: single nucleotide variant.
Coding change: c.849C>T on transcript NM_004385.5 (MANE Select); coding-DNA position 849, C replaced by T.
Protein change: p.Leu283=; no amino-acid change (leucine 283 retained).
Molecular consequence: synonymous variant.
Genome position (GRCh38, 1-based): chr5:83,512,203, C>T. VCF-style: chr5-83512203-C-T. GRCh37 (hg19) VCF-style: chr5-82808022-C-T.
Other names: c.849C>T, p.Leu283= (NM_001126336.3, NM_001164097.2, NM_001164098.2); c.849C>T (NM_004385.4).
Identifiers: ClinVar variation 1169066 (VCV001169066.12), dbSNP rs142777690, ClinGen allele CA3332537.

ClinVar aggregate classification (germline): Benign/Likely benign. Review status: criteria provided, multiple submitters, no conflicts (2 of 4 stars). 3 submissions from 3 submitters: Benign (1); Likely benign (1). 1 of the submissions does not count toward it. Last evaluated 2026-01-14.

Conditions:
VCAN-related disorder. Also called: VCAN-related condition.

Allele frequency attached by ClinVar (database versions not stated): 1000 Genomes Project 0.00040; ESP Exome Variant Server 0.00046; 1000 Genomes Project 30x 0.00047.
gnomAD v4.1: 88 of 1,614,118 alleles (0.0055%); highest among the groups gnomAD compares: African/African-American, 0.11%; no homozygotes.

Submissions (3):

Labcorp Genetics (formerly Invitae), Labcorp
Classification: Benign. Last evaluated: 2026-01-14. Review status: criteria provided, single submitter. Criteria: Invitae Variant Classification Sherloc (09022015). Collection method: clinical testing. Allele origin: germline.

Blueprint Genetics
Classification: Likely benign. Last evaluated: 2023-08-11. Review status: criteria provided, single submitter. Criteria: ACMG Guidelines, 2015. Collection method: clinical testing. Allele origin: germline.

PreventionGenetics, part of Exact Sciences
Classification: Likely benign for VCAN-related condition. Last evaluated: 2024-04-16. Review status: no assertion criteria provided. Collection method: clinical testing. Allele origin: germline. Not counted in ClinVar's aggregate classification.
Comment: This variant is classified as likely benign based on ACMG/AMP sequence variant interpretation guidelines (Richards et al. 2015 PMID: 25741868, with internal and published modifications).